The following is an entry in ClinVar:

NM_022089.4(ATP13A2):c.348-9_351del

Gene: ATP13A2 (ATPase cation transporting 13A2; minus strand). Cytogenetic location: 1p36.13.
Variant type: Deletion.
Coding change: c.348-9_351del on transcript NM_022089.4 (MANE Select); 9 bases into the intron before coding-DNA position 348 through coding-DNA position 351, 13 bases deleted (CTTCCCCAGCCTG).
Molecular consequence: splice acceptor variant.
Genome position (GRCh38, 1-based): chr1:17,004,818-17,004,830, CAGGCTGGGGAAG deleted on the plus strand (CTTCCCCAGCCTG on the coding strand, the reverse complement: ATP13A2 is on the minus strand); deleting any 13 consecutive bases within chr1:17,004,818-17,004,834 gives the same sequence; the c. name uses the placement nearest the transcript's 3' end. VCF-style (leftmost placement, unchanged base first): chr1-17004817-CCAGGCTGGGGAAG-C. GRCh37 (hg19) VCF-style: chr1-17331312-CCAGGCTGGGGAAG-C.
Other names: c.348-9_351del (NM_001141974.3, NM_001141973.3).
Identifiers: ClinVar variation 209135 (VCV000209135.12), dbSNP rs749798211, ClinGen allele CA276125.
Genomic context (GRCh38, chr1:17,004,817, plus strand): 5'-GTACCGCCCCAACTGCCGCCTGGCTCCGGCCATCCTCTGCCTGGGACTGTGGGGACGGCT[CCAGGCTGGGGAAG>C]CAGGTGAGGGTTACTCTCGAGCTCTGGGAGCTGCCCTGGCACCTCCCTGTGCTCACAGAG-3'

ClinVar aggregate classification (germline): Conflicting classifications of pathogenicity. Review status: criteria provided, conflicting classifications (1 of 4 stars). 5 submissions from 5 submitters: Pathogenic (1); Likely pathogenic (3); Uncertain significance (1). Last evaluated 2026-03-16.

Conditions:
Kufor-Rakeb syndrome (KRS). Also called: PARKINSON DISEASE 9, AUTOSOMAL RECESSIVE, JUVENILE-ONSET. Identifiers: Orphanet 306674, Orphanet 314632, MedGen C1847640, MONDO:0011706, OMIM 606693.
Autosomal recessive spastic paraplegia type 78. Identifiers: Orphanet 513436, MedGen C5567893, MONDO:0014975, OMIM 617225.

Submissions (5):

GeneDx
Classification: Likely pathogenic. Last evaluated: 2026-03-16. Review status: criteria provided, single submitter. Criteria: GeneDx Variant Classification Process June 2021. Collection method: clinical testing. Allele origin: germline.
Comment: Canonical splice site variant predicted to result in a null allele in a gene for which loss of function is a known mechanism of disease; Not observed at significant frequency in large population cohorts (gnomAD); This variant is associated with the following publications: (PMID: 31980526, 36065636)

Labcorp Genetics (formerly Invitae), Labcorp
Classification: Likely pathogenic for Kufor-Rakeb syndrome; Autosomal recessive spastic paraplegia type 78. Last evaluated: 2025-12-16. Review status: criteria provided, single submitter. Criteria: Invitae Variant Classification Sherloc (09022015). Collection method: clinical testing. Allele origin: germline.
Comment: This variant results in the deletion of part of exon 5 (c.348-9_351del) of the ATP13A2 gene. It is expected to disrupt RNA splicing. Variants that disrupt the donor or acceptor splice site typically lead to a loss of protein function (PMID: 16199547), and loss-of-function variants in ATP13A2 are known to be pathogenic (PMID: 16964263, 21696388). This variant is present in population databases (rs749798211, gnomAD 0.004%). This variant has been observed in individual(s) with ATP13A2-related conditions (PMID: 36065636). ClinVar contains an entry for this variant (Variation ID: 209135). In summary, the currently available evidence indicates that the variant is pathogenic, but additional data are needed to prove that conclusively. Therefore, this variant has been classified as Likely Pathogenic.

Fulgent Genetics
Classification: Likely pathogenic for Kufor-Rakeb syndrome; Autosomal recessive spastic paraplegia type 78. Last evaluated: 2024-03-08. Review status: criteria provided, single submitter. Criteria: ACMG Guidelines, 2015. Collection method: clinical testing. Allele origin: germline.

Eurofins Ntd Llc (ga)
Classification: Uncertain significance. Last evaluated: 2017-05-30. Review status: criteria provided, single submitter. Criteria: EGL Classification Definitions 2015. Collection method: clinical testing. Allele origin: germline.

Baylor Genetics
Classification: Pathogenic for Parkinson disease 9. Last evaluated: 2013-01-29. Review status: criteria provided, single submitter. Criteria: Yang et al. 2013. Collection method: clinical testing. Allele origin: germline. Inheritance: Autosomal recessive inheritance. Affected: yes. Observed: 1 variant allele, 1 compound heterozygote. Study: Adult_WES.
Comment: This variant includes the the splice acceptor site of intron 4 and the first four nucleotides of exon 5. Because the splice acceptor site is deleted, it is categorized as deleterious according to ACMG guidelines (PMID:18414213).

Literature cited by the submitters: PubMed 16199547 (cited by Labcorp Genetics (formerly Invitae), Labcorp); PubMed 16964263 (cited by Labcorp Genetics (formerly Invitae), Labcorp); PubMed 21696388 (cited by Labcorp Genetics (formerly Invitae), Labcorp); PubMed 36065636 (cited by Labcorp Genetics (formerly Invitae), Labcorp); PubMed 26633545 (cited by Baylor Genetics).